The following is an entry in ClinVar:

NM_024675.4(PALB2):c.874C>A (p.Gln292Lys)

Gene: PALB2 (partner and localizer of BRCA2; minus strand). Cytogenetic location: 16p12.2.
Variant type: single nucleotide variant.
Coding change: c.874C>A on transcript NM_024675.4 (MANE Select); coding-DNA position 874, C replaced by A.
Protein change: p.Gln292Lys; replaces glutamine 292 with lysine.
Molecular consequence: missense variant.
Genome position (GRCh38, 1-based): chr16:23,635,672, G>T on the plus strand (C>A on the coding strand, the complement: PALB2 is on the minus strand). VCF-style: chr16-23635672-G-T. GRCh37 (hg19) VCF-style: chr16-23646993-G-T.
Other names: short protein forms Q292K.
Identifiers: ClinVar variation 803238 (VCV000803238.6), dbSNP rs1335897946, ClinGen allele CA395135775.

ClinVar aggregate classification (germline): Uncertain significance. Review status: criteria provided, multiple submitters, no conflicts (2 of 4 stars). 2 submissions from 2 submitters: Uncertain significance (2). Last evaluated 2022-05-18.

Conditions:
Familial cancer of breast. Also called: BREAST CANCER, FAMILIAL; Hereditary breast cancer; hereditary breast carcinoma. Identifiers: Orphanet 227535, MedGen C0346153, MONDO:0016419, OMIM 114480. Disease mechanism: loss of function.

Allele frequency attached by ClinVar (database versions not stated): gnomAD exomes below 0.00001.
gnomAD v4.1: 1 of 1,613,450 alleles (0.000062%); highest among the groups gnomAD compares: Non-Finnish European, 0.000085%; no homozygotes.

Submissions (2):

Labcorp Genetics (formerly Invitae), Labcorp
Classification: Uncertain significance for Familial cancer of breast. Last evaluated: 2022-05-18. Review status: criteria provided, single submitter. Criteria: Invitae Variant Classification Sherloc (09022015). Collection method: clinical testing. Allele origin: germline.
Comment: In summary, the available evidence is currently insufficient to determine the role of this variant in disease. Therefore, it has been classified as a Variant of Uncertain Significance. Algorithms developed to predict the effect of missense changes on protein structure and function (SIFT, PolyPhen-2, Align-GVGD) all suggest that this variant is likely to be tolerated. ClinVar contains an entry for this variant (Variation ID: 803238). This variant has not been reported in the literature in individuals affected with PALB2-related conditions. This variant is not present in population databases (gnomAD no frequency). This sequence change replaces glutamine, which is neutral and polar, with lysine, which is basic and polar, at codon 292 of the PALB2 protein (p.Gln292Lys).

Mendelics
Classification: Uncertain significance for Familial cancer of breast. Last evaluated: 2019-05-28. Review status: criteria provided, single submitter. Criteria: Mendelics Assertion Criteria 2017. Collection method: clinical testing. Allele origin: unknown.